The following is an entry in ClinVar:

ClinVar aggregate classification (germline): Benign/Likely benign. Review status: criteria provided, multiple submitters, no conflicts (2 of 4 stars). 2 submissions from 2 submitters: Benign (1); Likely benign (1). Last evaluated 2023-12-01.

Allele frequency attached by ClinVar (database versions not stated): gnomAD exomes 0.00009 and 0.00023; ESP Exome Variant Server 0.00054; gnomAD 0.00085 and 0.00092; TOPMed 0.00095; 1000 Genomes Project 0.00140; 1000 Genomes Project 30x 0.00219; ExAC 0.00035.

Submissions (2):

CeGaT Center for Human Genetics Tuebingen
Classification: Likely benign. Last evaluated: 2023-12-01. Review status: criteria provided, single submitter. Criteria: CeGaT Center For Human Genetics Tuebingen Variant Classification Criteria Version 2. Collection method: clinical testing. Allele origin: germline. Affected: yes. Observed: 2 variant alleles.
Comment: SHANK3: BS1

GeneDx
Classification: Benign. Last evaluated: 2020-12-14. Review status: criteria provided, single submitter. Criteria: GeneDx Variant Classification Process June 2021. Collection method: clinical testing. Allele origin: germline. Affected: yes.

NM_001372044.2(SHANK3):c.2220-36T>C

Gene: SHANK3 (SH3 and multiple ankyrin repeat domains 3; plus strand). Cytogenetic location: 22q13.33.
Variant type: single nucleotide variant.
Coding change: c.2220-36T>C on transcript NM_001372044.2 (MANE Select); 36 bases into the intron before coding-DNA position 2220, T replaced by C.
Molecular consequence: intron variant.
Genome position (GRCh38, 1-based): chr22:50,706,036, T>C. VCF-style: chr22-50706036-T-C. GRCh37 (hg19) VCF-style: chr22-51144464-T-C.
Identifiers: ClinVar variation 1280933 (VCV001280933.25), dbSNP rs201640074, ClinGen allele CA10325753.